The following is an entry in ClinVar:

ClinVar aggregate classification (germline): Conflicting classifications of pathogenicity. Review status: criteria provided, conflicting classifications (1 of 4 stars). 2 submissions from 2 submitters: Uncertain significance (1); Likely benign (1). Last evaluated 2025-06-16.

Allele frequency attached by ClinVar (database versions not stated): ExAC 0.00015; gnomAD exomes 0.00024; ESP Exome Variant Server 0.00035.
gnomAD v4.1: 310 of 1,330,870 alleles (0.023%); highest among the groups gnomAD compares: Non-Finnish European, 0.032%; 99 homozygotes.

Submissions (2):

Ambry Genetics
Classification: Uncertain significance. Last evaluated: 2025-06-16. Review status: criteria provided, single submitter. Criteria: Ambry Variant Classification Scheme 2023. Collection method: clinical testing. Allele origin: germline.

CeGaT Center for Human Genetics Tuebingen
Classification: Likely benign. Last evaluated: 2023-03-01. Review status: criteria provided, single submitter. Criteria: CeGaT Center For Human Genetics Tuebingen Variant Classification Criteria Version 2. Collection method: clinical testing. Allele origin: germline. Affected: yes. Observed: 2 variant alleles.
Comment: AHNAK2: BP4, BS2

NM_138420.4(AHNAK2):c.3673G>A (p.Gly1225Ser)

Gene: AHNAK2 (AHNAK nucleoprotein 2; minus strand). Cytogenetic location: 14q32.33.
Variant type: single nucleotide variant.
Coding change: c.3673G>A on transcript NM_138420.4 (MANE Select); coding-DNA position 3673, G replaced by A.
Protein change: p.Gly1225Ser; replaces glycine 1225 with serine.
Molecular consequence: missense variant.
Genome position (GRCh38, 1-based): chr14:104,951,778, C>T on the plus strand (G>A on the coding strand, the complement: AHNAK2 is on the minus strand). VCF-style: chr14-104951778-C-T. GRCh37 (hg19) VCF-style: chr14-105418115-C-T.
Other names: c.3373G>A, p.Gly1125Ser (NM_001350929.2); short protein forms G1125S, G1225S.
Identifiers: ClinVar variation 2344035 (VCV002344035.27), dbSNP rs368222375, ClinGen allele CA7382842.